The following is an entry in ClinVar:

ClinVar aggregate classification (germline): Likely benign (0 of 4 stars; one submission).

Conditions:
COL4A1-related disorder. Also called: COL4A1-related disorders; COL4A1-related condition. Identifiers: MedGen CN376119, MONDO:0800461.

Allele frequency attached by ClinVar (database versions not stated): gnomAD exomes below 0.00001; ExAC 0.00001; gnomAD 0.00001; TOPMed 0.00001.
gnomAD v4.1: 4 of 1,613,400 alleles (0.00025%); highest among the groups gnomAD compares: South Asian, 0.0022%; no homozygotes.

Submission:

PreventionGenetics, part of Exact Sciences
Classification: Likely benign for COL4A1-related condition. Last evaluated: 2022-10-08. Review status: no assertion criteria provided. Collection method: clinical testing. Allele origin: germline.
Comment: This variant is classified as likely benign based on ACMG/AMP sequence variant interpretation guidelines (Richards et al. 2015 PMID: 25741868, with internal and published modifications).

NM_001845.6(COL4A1):c.388-10G>A

Gene: COL4A1 (collagen type IV alpha 1 chain; minus strand). Cytogenetic location: 13q34.
Variant type: single nucleotide variant.
Coding change: c.388-10G>A on transcript NM_001845.6 (MANE Select); 10 bases into the intron before coding-DNA position 388, G replaced by A.
Molecular consequence: intron variant.
Genome position (GRCh38, 1-based): chr13:110,211,932, C>T on the plus strand (G>A on the coding strand, the complement: COL4A1 is on the minus strand). VCF-style: chr13-110211932-C-T. GRCh37 (hg19) VCF-style: chr13-110864279-C-T.
Other names: c.388-10G>A (NM_001303110.2).
Identifiers: ClinVar variation 3052335 (VCV003052335.2), dbSNP rs759535703, ClinGen allele CA7048530.